The following is an entry in ClinVar:

NM_002834.5(PTPN11):c.879C>A (p.His293Gln)

Gene: PTPN11 (protein tyrosine phosphatase non-receptor type 11; plus strand). Cytogenetic location: 12q24.13.
Variant type: single nucleotide variant.
Coding change: c.879C>A on transcript NM_002834.5 (MANE Select); coding-DNA position 879, C replaced by A.
Protein change: p.His293Gln; replaces histidine 293 with glutamine.
Molecular consequence: missense variant.
Genome position (GRCh38, 1-based): chr12:112,477,676, C>A. VCF-style: chr12-112477676-C-A. GRCh37 (hg19) VCF-style: chr12-112915480-C-A.
Other names: c.879C>A, p.His293Gln (NM_001330437.2, NM_080601.3); c.876C>A, p.His292Gln (NM_001374625.1); short protein forms H293Q, H292Q.
Identifiers: ClinVar variation 1480016 (VCV001480016.8), dbSNP rs117730996, ClinGen allele CA386790553.
Genomic context (GRCh38, chr12:112,477,676, plus strand): 5'-AGGACTTATGTGACCGTGGTCTCTTTTTCTTCTAGTTGATCATACCAGGGTTGTCCTACA[C>A]GATGGTGATCCCAATGAGCCTGTTTCAGATTACATCAATGCAAATATCATCATGGTAAGC-3'
Protein context (NP_002825.3, residues 283-303): LPFDHTRVVL[His293Gln]DGDPNEPVSD

ClinVar aggregate classification (germline): Uncertain significance (1 of 4 stars; one submission).

Conditions:
RASopathy. Also called: rasopathies; Noonan spectrum disorder. Identifiers: Orphanet 536391, MedGen C5555857, MONDO:0021060.

gnomAD v4.1: 1 of 1,612,894 alleles (0.000062%); highest among the groups gnomAD compares: Non-Finnish European, 0.000085%; no homozygotes.

Submission:

Labcorp Genetics (formerly Invitae), Labcorp
Classification: Uncertain significance for RASopathy. Last evaluated: 2021-04-13. Review status: criteria provided, single submitter. Criteria: Invitae Variant Classification Sherloc (09022015). Collection method: clinical testing. Allele origin: germline.
Comment: Algorithms developed to predict the effect of sequence changes on RNA splicing suggest that this variant may create or strengthen a splice site, but this prediction has not been confirmed by published transcriptional studies. Advanced modeling of protein sequence and biophysical properties (such as structural, functional, and spatial information, amino acid conservation, physicochemical variation, residue mobility, and thermodynamic stability) performed at Invitae indicates that this missense variant is not expected to disrupt PTPN11 protein function. This variant has not been reported in the literature in individuals with PTPN11-related conditions. This variant is not present in population databases (ExAC no frequency). This sequence change replaces histidine with glutamine at codon 293 of the PTPN11 protein (p.His293Gln). The histidine residue is moderately conserved and there is a small physicochemical difference between histidine and glutamine. In summary, the available evidence is currently insufficient to determine the role of this variant in disease. Therefore, it has been classified as a Variant of Uncertain Significance.